The following is an entry in ClinVar:

NM_016938.5(EFEMP2):c.1183G>C (p.Val395Leu)

Genes: EFEMP2 (EGF-like fibulin extracellular matrix protein 2; minus strand), MUS81 (MUS81 structure-specific endonuclease subunit; plus strand). Cytogenetic location: 11q13.1.
Variant type: single nucleotide variant.
Coding change: c.1183G>C on transcript NM_016938.5 (MANE Select); coding-DNA position 1183, G replaced by C.
Protein change: p.Val395Leu; replaces valine 395 with leucine.
Molecular consequence: missense variant. On other transcripts: non-coding transcript variant (1).
Genome position (GRCh38, 1-based): chr11:65,867,067, C>G on the plus strand (G>C on the coding strand, the complement: EFEMP2 is on the minus strand). VCF-style: chr11-65867067-C-G. GRCh37 (hg19) VCF-style: chr11-65634538-C-G.
Other names: short protein forms V395L.
Identifiers: ClinVar variation 1496897 (VCV001496897.5), dbSNP rs543567156, ClinGen allele CA381349765.

ClinVar aggregate classification (germline): Uncertain significance (1 of 4 stars; one submission).

Conditions:
Cutis laxa, autosomal recessive, type 1B (ARCL1B). Also called: EFEMP2-Related Cutis Laxa; CUTIS LAXA, AUTOSOMAL RECESSIVE, TYPE IB. Identifiers: Orphanet 90349, MedGen C3280798, MONDO:0013754, OMIM 614437. Disease mechanism: loss of function.

gnomAD v4.1: 3 of 1,614,082 alleles (0.00019%); highest among the groups gnomAD compares: Middle Eastern, 0.017%; no homozygotes.

Submission:

Labcorp Genetics (formerly Invitae), Labcorp
Classification: Uncertain significance for Cutis laxa, autosomal recessive, type 1B. Last evaluated: 2021-08-31. Review status: criteria provided, single submitter. Criteria: Invitae Variant Classification Sherloc (09022015). Collection method: clinical testing. Allele origin: germline.
Comment: This sequence change replaces valine with leucine at codon 395 of the EFEMP2 protein (p.Val395Leu). The valine residue is highly conserved and there is a small physicochemical difference between valine and leucine. This variant is not present in population databases (ExAC no frequency). This variant has not been reported in the literature in individuals affected with EFEMP2-related conditions. Algorithms developed to predict the effect of missense changes on protein structure and function are either unavailable or do not agree on the potential impact of this missense change (SIFT: "Deleterious"; PolyPhen-2: "Benign"; Align-GVGD: "Class C25"). In summary, the available evidence is currently insufficient to determine the role of this variant in disease. Therefore, it has been classified as a Variant of Uncertain Significance.